The following is an entry in ClinVar:

NM_005751.5(AKAP9):c.10229C>A (p.Ser3410Tyr)

Gene: AKAP9 (A-kinase anchoring protein 9; plus strand). Cytogenetic location: 7q21.2.
Variant type: single nucleotide variant.
Coding change: c.10229C>A on transcript NM_005751.5 (MANE Select); coding-DNA position 10229, C replaced by A.
Protein change: p.Ser3410Tyr; replaces serine 3410 with tyrosine.
Molecular consequence: missense variant.
Genome position (GRCh38, 1-based): chr7:92,097,188, C>A. VCF-style: chr7-92097188-C-A. GRCh37 (hg19) VCF-style: chr7-91726502-C-A.
Other names: c.4874C>A, p.Ser1625Tyr (NM_001379277.1); c.10205C>A, p.Ser3402Tyr (NM_147185.3); short protein forms S3402Y, S1625Y, S3410Y.
Identifiers: ClinVar variation 2497359 (VCV002497359.5), dbSNP rs1172115467, ClinGen allele CA368154403.

ClinVar aggregate classification (germline): Uncertain significance. Review status: criteria provided, multiple submitters, no conflicts (2 of 4 stars). 2 submissions from 2 submitters: Uncertain significance (2). Last evaluated 2023-10-16.

Conditions:
Cardiovascular phenotype. Identifiers: MedGen CN230736.
Long QT syndrome (LQTS). Identifiers: MedGen C0023976, MeSH D008133, MONDO:0002442. Disease mechanism: loss of function. Inheritance: Various modes of inheritance.

Allele frequency attached by ClinVar (database versions not stated): gnomAD 0.00001; TOPMed 0.00001.
gnomAD v4.1: 17 of 1,613,252 alleles (0.0011%); highest among the groups gnomAD compares: Non-Finnish European, 0.0014%; no homozygotes.

Submissions (2):

Labcorp Genetics (formerly Invitae), Labcorp
Classification: Uncertain significance for Long QT syndrome. Last evaluated: 2023-10-16. Review status: criteria provided, single submitter. Criteria: Invitae Variant Classification Sherloc (09022015). Collection method: clinical testing. Allele origin: germline.
Comment: This sequence change replaces serine, which is neutral and polar, with tyrosine, which is neutral and polar, at codon 3410 of the AKAP9 protein (p.Ser3410Tyr). This variant is present in population databases (no rsID available, gnomAD 0.0009%). This variant has not been reported in the literature in individuals affected with AKAP9-related conditions. ClinVar contains an entry for this variant (Variation ID: 2497359). An algorithm developed to predict the effect of missense changes on protein structure and function (PolyPhen-2) suggests that this variant is likely to be disruptive. In summary, the available evidence is currently insufficient to determine the role of this variant in disease. Therefore, it has been classified as a Variant of Uncertain Significance.

Ambry Genetics
Classification: Uncertain significance for Cardiovascular phenotype. Last evaluated: 2023-01-27. Review status: criteria provided, single submitter. Criteria: Ambry Variant Classification Scheme 2023. Collection method: clinical testing. Allele origin: germline.
Comment: The p.S3410Y variant (also known as c.10229C>A), located in coding exon 41 of the AKAP9 gene, results from a C to A substitution at nucleotide position 10229. The serine at codon 3410 is replaced by tyrosine, an amino acid with dissimilar properties. This amino acid position is not well conserved in available vertebrate species. In addition, this alteration is predicted to be tolerated by in silico analysis. The evidence for this gene-disease relationship is limited; therefore, the clinical significance of this alteration is unclear.